The following is an entry in ClinVar:

NM_144643.4(SCLT1):c.108T>C (p.Ala36=)

Gene: SCLT1 (sodium channel and clathrin linker 1; minus strand). Cytogenetic location: 4q28.2.
Variant type: single nucleotide variant.
Coding change: c.108T>C on transcript NM_144643.4 (MANE Select); coding-DNA position 108, T replaced by C.
Protein change: p.Ala36=; no amino-acid change (alanine 36 retained).
Molecular consequence: synonymous variant.
Genome position (GRCh38, 1-based): chr4:129,044,046, A>G on the plus strand (T>C on the coding strand, the complement: SCLT1 is on the minus strand). VCF-style: chr4-129044046-A-G. GRCh37 (hg19) VCF-style: chr4-129965201-A-G.
Other names: c.108T>C, p.Ala36= (NM_001300897.2, NM_001300898.2).
Identifiers: ClinVar variation 731594 (VCV000731594.15), dbSNP rs73847392, ClinGen allele CA3080065.
Genomic context (GRCh38, chr4:129,044,046, plus strand): 5'-ACTTTACCTTTGGTCAAATACTAGGTTTTCAAATGTGTCGTCTCCTTCTCCTTGGCAGAC[A>G]GCTTTCTATAAAAGAATGTACATCTTAAAATGTGTTCTCACATCATTCTAGCCAAAATTG-3'
Protein context (NP_653244.2, residues 26-46): SFSKYSSVQK[Ala36=]VCQGEGDDTF

ClinVar aggregate classification (germline): Benign/Likely benign. Review status: criteria provided, multiple submitters, no conflicts (2 of 4 stars). 4 submissions from 4 submitters: Benign (2); Likely benign (1). 1 of the submissions does not count toward it. Last evaluated 2026-02-03.

Conditions:
SCLT1-related disorder. Also called: SCLT1-related condition.

Allele frequency attached by ClinVar (database versions not stated): gnomAD exomes 0.00075; ExAC 0.00101; ESP Exome Variant Server 0.00331; gnomAD 0.00378 and 0.00396; TOPMed 0.00454; 1000 Genomes Project 0.00479; 1000 Genomes Project 30x 0.00484.
gnomAD v4.1: 1,027 of 1,555,082 alleles (0.066%); highest among the groups gnomAD compares: African/African-American, 1.1%; 4 homozygotes.

Submissions (4):

Labcorp Genetics (formerly Invitae), Labcorp
Classification: Benign. Last evaluated: 2026-02-03. Review status: criteria provided, single submitter. Criteria: Invitae Variant Classification Sherloc (09022015). Collection method: clinical testing. Allele origin: germline.

Blueprint Genetics
Classification: Likely benign. Last evaluated: 2024-11-13. Review status: criteria provided, single submitter. Criteria: ACMG Guidelines, 2015. Collection method: clinical testing. Allele origin: germline.

Breakthrough Genomics
Classification: Benign. Review status: criteria provided, single submitter. Criteria: ACMG Guidelines, 2015. Collection method: not provided. Allele origin: germline. Inheritance: Unknown mechanism. Affected: yes.

PreventionGenetics, part of Exact Sciences
Classification: Benign for SCLT1-related condition. Last evaluated: 2024-07-17. Review status: no assertion criteria provided. Collection method: clinical testing. Allele origin: germline. Not counted in ClinVar's aggregate classification.
Comment: This variant is classified as benign based on ACMG/AMP sequence variant interpretation guidelines (Richards et al. 2015 PMID: 25741868, with internal and published modifications).